The following is an entry in ClinVar:

NM_001369268.1(ACAN):c.2203G>A (p.Glu735Lys)

Gene: ACAN (aggrecan; plus strand). Cytogenetic location: 15q26.1.
Variant type: single nucleotide variant.
Coding change: c.2203G>A on transcript NM_001369268.1 (MANE Select); coding-DNA position 2203, G replaced by A.
Protein change: p.Glu735Lys; replaces glutamic acid 735 with lysine.
Molecular consequence: missense variant.
Genome position (GRCh38, 1-based): chr15:88,851,970, G>A. VCF-style: chr15-88851970-G-A. GRCh37 (hg19) VCF-style: chr15-89395201-G-A.
Other names: c.2203G>A, p.Glu735Lys (NM_001135.4, NM_013227.4); c.2203G>A (NM_013227.3); short protein forms E735K.
Identifiers: ClinVar variation 1434527 (VCV001434527.12), dbSNP rs202060628, ClinGen allele CA7719818.

ClinVar aggregate classification (germline): Uncertain significance. Review status: criteria provided, multiple submitters, no conflicts (2 of 4 stars). 5 submissions from 5 submitters: Uncertain significance (5). Last evaluated 2025-11-04.

Conditions:
Inborn genetic diseases. Identifiers: MedGen C0950123, MeSH D030342.

Allele frequency attached by ClinVar (database versions not stated): gnomAD exomes 0.00011 and 0.00014; gnomAD 0.00013 and 0.00014; TOPMed 0.00014; ExAC 0.00019; ESP Exome Variant Server 0.00024.
gnomAD v4.1: 188 of 1,612,292 alleles (0.012%); highest among the groups gnomAD compares: Middle Eastern, 0.066%; no homozygotes.

Submissions (5):

Labcorp Genetics (formerly Invitae), Labcorp
Classification: Uncertain significance. Last evaluated: 2025-11-04. Review status: criteria provided, single submitter. Criteria: Invitae Variant Classification Sherloc (09022015). Collection method: clinical testing. Allele origin: germline.
Comment: This sequence change replaces glutamic acid, which is acidic and polar, with lysine, which is basic and polar, at codon 735 of the ACAN protein (p.Glu735Lys). This variant is present in population databases (rs202060628, gnomAD 0.02%). This variant has not been reported in the literature in individuals affected with ACAN-related conditions. ClinVar contains an entry for this variant (Variation ID: 1434527). Invitae Evidence Modeling of protein sequence and biophysical properties (such as structural, functional, and spatial information, amino acid conservation, physicochemical variation, residue mobility, and thermodynamic stability) indicates that this missense variant is not expected to disrupt ACAN protein function with a negative predictive value of 80%. In summary, the available evidence is currently insufficient to determine the role of this variant in disease. Therefore, it has been classified as a Variant of Uncertain Significance.

Dasa
Classification: Uncertain significance. Last evaluated: 2025-11-01. Review status: criteria provided, single submitter. Criteria: DASA Assertion Criteria. Collection method: clinical testing. Allele origin: germline.
Comment: NM_001369268.1(ACAN):c.2203G>A (p.Glu735Lys) is a missense variant that results in the substitution of glutamic acid with lysine. This variant is rare in population databases. Computational prediction algorithms are consistent with a benign effect. The currently available literature and clinical evidence are not sufficient to establish a definitive association between this variant and the reported condition. Therefore, this variant is classified as a variant of uncertain significance.

Ambry Genetics
Classification: Uncertain significance for Inborn genetic diseases. Last evaluated: 2025-02-13. Review status: criteria provided, single submitter. Criteria: Ambry Variant Classification Scheme 2023. Collection method: clinical testing. Allele origin: germline.

Blueprint Genetics
Classification: Uncertain significance. Last evaluated: 2024-11-13. Review status: criteria provided, single submitter. Criteria: ACMG Guidelines, 2015. Collection method: clinical testing. Allele origin: germline.

Women's Health and Genetics/Laboratory Corporation of America, LabCorp
Classification: Uncertain significance. Last evaluated: 2023-11-13. Review status: criteria provided, single submitter. Criteria: LabCorp Variant Classification Summary - May 2015. Collection method: clinical testing. Allele origin: germline.
Comment: Variant summary: ACAN c.2203G>A (p.Glu735Lys) results in a conservative amino acid change in the encoded protein sequence. Three of five in-silico tools predict a benign effect of the variant on protein function. The variant allele was found at a frequency of 0.00014 in 245822 control chromosomes (gnomAD). To our knowledge, no occurrence of c.2203G>A in individuals affected with ACAN-Related Disorders and no experimental evidence demonstrating its impact on protein function have been reported. Two submitters have cited clinical-significance assessments for this variant to ClinVar after 2014. Both submitters classified the variant as uncertain significance. Based on the evidence outlined above, the variant was classified as uncertain significance.